The following is an entry in ClinVar:

NM_001276345.2(TNNT2):c.395C>A (p.Ser132Tyr)

Gene: TNNT2 (troponin T2, cardiac type; minus strand). Cytogenetic location: 1q32.1.
Variant type: single nucleotide variant.
Coding change: c.395C>A on transcript NM_001276345.2 (MANE Select); coding-DNA position 395, C replaced by A.
Protein change: p.Ser132Tyr; replaces serine 132 with tyrosine.
Molecular consequence: missense variant. On other transcripts: intron variant (1).
Genome position (GRCh38, 1-based): chr1:201,365,207, G>T on the plus strand (C>A on the coding strand, the complement: TNNT2 is on the minus strand). VCF-style: chr1-201365207-G-T. GRCh37 (hg19) VCF-style: chr1-201334335-G-T.
Other names: c.395C>A, p.Ser132Tyr (NM_000364.4); c.365C>A, p.Ser122Tyr (NM_001001430.3, NM_001001431.3, NM_001276347.2); c.350C>A, p.Ser117Tyr (NM_001001432.3); c.291+403C>A (NM_001276346.2); short protein forms S122Y, S117Y, S132Y.
Identifiers: ClinVar variation 920465 (VCV000920465.9), dbSNP rs1659426786, ClinGen allele CA344206210.
Genomic context (GRCh38, chr1:201,365,207, plus strand): 5'-ACTGGGCCATCAGAGAATGTTAGGTGGGCAGACTGGACACCTACGATCCTGTCTTTGAGA[G>T]AAACGAGCTCCTCCTCCTCTTTCTTCCTGTTCTCAAAGTGAGCCTCGATCAGCGCCTGCA-3'
Protein context (NP_001263274.1, residues 122-142): NRKKEEEELV[Ser132Tyr]LKDRIERRRA

ClinVar aggregate classification (germline): Uncertain significance. Review status: criteria provided, multiple submitters, no conflicts (2 of 4 stars). 3 submissions from 3 submitters: Uncertain significance (3). Last evaluated 2026-04-23.

Conditions:
Hypertrophic cardiomyopathy 2. Also called: TNNT2-Related Familial Hypertrophic Cardiomyopathy. Identifiers: MedGen C1861864, MONDO:0007266, OMIM 115195.
Cardiomyopathy, familial restrictive, 3. Identifiers: Orphanet 75249, MedGen C2676271, MONDO:0012900, OMIM 612422.
Dilated cardiomyopathy 1D. Identifiers: Orphanet 154, Orphanet 54260, MedGen C1832243, MONDO:0011095, OMIM 601494.
Cardiomyopathy (CMYO). Also called: Cardiomyopathies. Identifiers: Orphanet 167848, MedGen C0878544, MONDO:0004994, HP:0001638. Inheritance: Various modes of inheritance.

Submissions (3):

GeneDx
Classification: Uncertain significance. Last evaluated: 2026-04-23. Review status: criteria provided, single submitter. Criteria: GeneDx Variant Classification Process June 2021. Collection method: clinical testing. Allele origin: germline.
Comment: Not observed at significant frequency in large population cohorts (gnomAD); In silico analysis supports that this missense variant has a deleterious effect on protein structure/function; Has not been previously published as pathogenic or benign to our knowledge

Color Diagnostics, LLC DBA Color Health
Classification: Uncertain significance for Cardiomyopathy. Last evaluated: 2023-12-05. Review status: criteria provided, single submitter. Criteria: ACMG Guidelines, 2015. Collection method: clinical testing. Allele origin: germline.
Comment: This missense variant replaces serine with tyrosine at codon 122 of the TNNT2 protein. Computational prediction tools and conservation analyses are inconclusive regarding the impact of this variant on protein structure and function. Splice site prediction tools suggest that this variant may not impact RNA splicing. To our knowledge, functional studies have not been performed for this variant. This variant has not been reported in individuals affected with cardiovascular disorders in the literature. This variant has not been identified in the general population by the Genome Aggregation Database (gnomAD). The available evidence is insufficient to determine the role of this variant in disease conclusively. Therefore, this variant is classified as a Variant of Uncertain Significance.

Labcorp Genetics (formerly Invitae), Labcorp
Classification: Uncertain significance for Cardiomyopathy, familial restrictive, 3; Hypertrophic cardiomyopathy 2; Dilated cardiomyopathy 1D. Last evaluated: 2023-08-04. Review status: criteria provided, single submitter. Criteria: Invitae Variant Classification Sherloc (09022015). Collection method: clinical testing. Allele origin: germline.
Comment: Advanced modeling of protein sequence and biophysical properties (such as structural, functional, and spatial information, amino acid conservation, physicochemical variation, residue mobility, and thermodynamic stability) performed at Invitae indicates that this missense variant is expected to disrupt TNNT2 protein function. In summary, the available evidence is currently insufficient to determine the role of this variant in disease. Therefore, it has been classified as a Variant of Uncertain Significance. ClinVar contains an entry for this variant (Variation ID: 920465). This variant has not been reported in the literature in individuals affected with TNNT2-related conditions. This variant is not present in population databases (gnomAD no frequency). This sequence change replaces serine, which is neutral and polar, with tyrosine, which is neutral and polar, at codon 122 of the TNNT2 protein (p.Ser122Tyr).